The following is an entry in ClinVar:

ClinVar aggregate classification (germline): Uncertain significance. Review status: criteria provided, multiple submitters, no conflicts (2 of 4 stars). 2 submissions from 2 submitters: Uncertain significance (2). Last evaluated 2025-01-24.

Conditions:
Inborn genetic diseases. Identifiers: MedGen C0950123, MeSH D030342.

Allele frequency attached by ClinVar (database versions not stated): TOPMed 0.00002; ExAC 0.00003; gnomAD 0.00003; gnomAD exomes 0.00004; ESP Exome Variant Server 0.00008.
gnomAD v4.1: 55 of 1,614,038 alleles (0.0034%); highest among the groups gnomAD compares: African/African-American, 0.008%; no homozygotes.

Submissions (2):

Ambry Genetics
Classification: Uncertain significance for Inborn genetic diseases. Last evaluated: 2025-01-24. Review status: criteria provided, single submitter. Criteria: Ambry Variant Classification Scheme 2023. Collection method: clinical testing. Allele origin: germline.

Labcorp Genetics (formerly Invitae), Labcorp
Classification: Uncertain significance. Last evaluated: 2022-05-19. Review status: criteria provided, single submitter. Criteria: Invitae Variant Classification Sherloc (09022015). Collection method: clinical testing. Allele origin: germline.
Comment: This sequence change replaces asparagine, which is neutral and polar, with aspartic acid, which is acidic and polar, at codon 240 of the STN1 protein (p.Asn240Asp). This variant is present in population databases (rs372504367, gnomAD 0.01%). This variant has not been reported in the literature in individuals affected with STN1-related conditions. Algorithms developed to predict the effect of missense changes on protein structure and function (SIFT, PolyPhen-2, Align-GVGD) all suggest that this variant is likely to be tolerated. In summary, the available evidence is currently insufficient to determine the role of this variant in disease. Therefore, it has been classified as a Variant of Uncertain Significance.

NM_024928.5(STN1):c.718A>G (p.Asn240Asp)

Gene: STN1 (STN1 subunit of CST complex; minus strand). Cytogenetic location: 10q24.33.
Variant type: single nucleotide variant.
Coding change: c.718A>G on transcript NM_024928.5 (MANE Select); coding-DNA position 718, A replaced by G.
Protein change: p.Asn240Asp; replaces asparagine 240 with aspartic acid.
Molecular consequence: missense variant.
Genome position (GRCh38, 1-based): chr10:103,897,583, T>C on the plus strand (A>G on the coding strand, the complement: STN1 is on the minus strand). VCF-style: chr10-103897583-T-C. GRCh37 (hg19) VCF-style: chr10-105657341-T-C.
Other names: c.718A>G (NM_024928.4); short protein forms N240D.
Identifiers: ClinVar variation 2169393 (VCV002169393.2), dbSNP rs372504367, ClinGen allele CA5676536.